The following is an entry in ClinVar:

ClinVar aggregate classification (germline): Benign (1 of 4 stars; one submission).

Conditions:
Charcot-Marie-Tooth disease type 4B2. Also called: Charcot-Marie-Tooth Neuropathy Type 4B2; CHARCOT-MARIE-TOOTH DISEASE, WITH FOCALLY FOLDED MYELIN SHEATHS, AUTOSOMAL RECESSIVE, TYPE 4B2; CMT 4B2; CHARCOT-MARIE-TOOTH DISEASE, DEMYELINATING, TYPE 4B2. Identifiers: Orphanet 99956, MedGen C1858278, MONDO:0011475, OMIM 604563.

Allele frequency attached by ClinVar (database versions not stated): gnomAD 0.01421 and 0.01504; TOPMed 0.01642; 1000 Genomes Project 0.01657; 1000 Genomes Project 30x 0.01733.

Submission:

Illumina Laboratory Services, Illumina
Classification: Benign for Charcot-Marie-Tooth disease type 4B2. Last evaluated: 2018-01-12. Review status: criteria provided, single submitter. Criteria: ICSL Variant Classification Criteria 13 December 2019. Collection method: clinical testing. Allele origin: germline.
Comment: This variant was observed in the ICSL laboratory as part of a predisposition screen in an ostensibly healthy population. It had not been previously curated by ICSL or reported in the Human Gene Mutation Database (HGMD: prior to June 1st, 2018), and was therefore a candidate for classification through an automated scoring system. Utilizing variant allele frequency, disease prevalence and penetrance estimates, and inheritance mode, an automated score was calculated to assess if this variant is too frequent to cause the disease. Based on the score and internal cut-off values, a variant classified as benign is not then subjected to further curation. The score for this variant resulted in a classification of benign for this disease.

NM_030962.4(SBF2):c.*1399T>C

Genes: SBF2 (SET binding factor 2; minus strand), SBF2-AS1 (SBF2 antisense RNA 1; plus strand). Cytogenetic location: 11p15.4.
Variant type: single nucleotide variant.
Coding change: c.*1399T>C on transcript NM_030962.4 (MANE Select); 1399 bases downstream of the stop codon, T replaced by C.
Molecular consequence: 3 prime UTR variant.
Genome position (GRCh38, 1-based): chr11:9,779,019, A>G on the plus strand (T>C on the coding strand, the complement: SBF2 is on the minus strand). VCF-style: chr11-9779019-A-G. GRCh37 (hg19) VCF-style: chr11-9800566-A-G.
Other names: c.*1399T>C (NM_001386339.1, NM_001386342.1).
Identifiers: ClinVar variation 306556 (VCV000306556.5), dbSNP rs60154961, ClinGen allele CA10640537.